The following is an entry in ClinVar:

NM_017617.5(NOTCH1):c.4742C>T (p.Pro1581Leu)

Gene: NOTCH1 (notch receptor 1; minus strand). Cytogenetic location: 9q34.3.
Variant type: single nucleotide variant.
Coding change: c.4742C>T on transcript NM_017617.5 (MANE Select); coding-DNA position 4742, C replaced by T.
Protein change: p.Pro1581Leu; replaces proline 1581 with leucine.
Molecular consequence: missense variant.
Genome position (GRCh38, 1-based): chr9:136,504,949, G>A on the plus strand (C>T on the coding strand, the complement: NOTCH1 is on the minus strand). VCF-style: chr9-136504949-G-A. GRCh37 (hg19) VCF-style: chr9-139399401-G-A.
Other names: short protein forms P1581L.
Identifiers: ClinVar variation 1207713 (VCV001207713.13), dbSNP rs746431035, ClinGen allele CA5340524.

ClinVar aggregate classification (germline): Uncertain significance. Review status: criteria provided, multiple submitters, no conflicts (2 of 4 stars). 6 submissions from 5 submitters: Uncertain significance (6). Last evaluated 2026-01-27.

Conditions:
Adams-Oliver syndrome 5 (AOS5). Identifiers: Orphanet 974, MedGen C4014970, MONDO:0014459, OMIM 616028.
Familial thoracic aortic aneurysm and aortic dissection (TAAD). Also called: Thoracic aortic aneurysms and dissections. Identifiers: Orphanet 91387, MedGen C4707243, MONDO:0019625.
Aortic valve disease 1 (AOVD1). Identifiers: MedGen C3887892, MONDO:0024523, OMIM 109730.

Allele frequency attached by ClinVar (database versions not stated): gnomAD exomes below 0.00001 and 0.00003; gnomAD 0.00001; ExAC 0.00002; TOPMed 0.00002.

Submissions (6):

Labcorp Genetics (formerly Invitae), Labcorp
Classification: Uncertain significance for Adams-Oliver syndrome 5. Last evaluated: 2026-01-27. Review status: criteria provided, single submitter. Criteria: Invitae Variant Classification Sherloc (09022015). Collection method: clinical testing. Allele origin: germline.
Comment: This sequence change replaces proline, which is neutral and non-polar, with leucine, which is neutral and non-polar, at codon 1581 of the NOTCH1 protein (p.Pro1581Leu). The frequency data for this variant in the population databases is considered unreliable, as metrics indicate poor data quality at this position in the gnomAD database. This variant has not been reported in the literature in individuals affected with NOTCH1-related conditions. ClinVar contains an entry for this variant (Variation ID: 1207713). An algorithm developed to predict the effect of missense changes on protein structure and function outputs the following: PolyPhen-2: "Benign". The leucine amino acid residue is found in multiple mammalian species, which suggests that this missense change does not adversely affect protein function. In summary, the available evidence is currently insufficient to determine the role of this variant in disease. Therefore, it has been classified as a Variant of Uncertain Significance.

Ambry Genetics
Classification: Uncertain significance for Familial thoracic aortic aneurysm and aortic dissection. Last evaluated: 2024-06-04. Review status: criteria provided, single submitter. Criteria: Ambry Variant Classification Scheme 2023. Collection method: clinical testing. Allele origin: germline.
Comment: The p.P1581L variant (also known as c.4742C>T), located in coding exon 26 of the NOTCH1 gene, results from a C to T substitution at nucleotide position 4742. The proline at codon 1581 is replaced by leucine, an amino acid with similar properties. This amino acid position is not well conserved in available vertebrate species. In addition, this alteration is predicted to be tolerated by in silico analysis. Since supporting evidence is limited at this time, the clinical significance of this alteration remains unclear.

Genome-Nilou Lab
Classification: Uncertain significance for Adams-Oliver syndrome 5. Last evaluated: 2022-03-15. Review status: criteria provided, single submitter. Criteria: ACMG Guidelines, 2015. Collection method: clinical testing. Allele origin: germline. Affected: no.

Genome-Nilou Lab
Classification: Uncertain significance for Aortic valve disease 1. Last evaluated: 2022-03-15. Review status: criteria provided, single submitter. Criteria: ACMG Guidelines, 2015. Collection method: clinical testing. Allele origin: germline. Affected: no.

GeneDx
Classification: Uncertain significance. Last evaluated: 2021-11-30. Review status: criteria provided, single submitter. Criteria: GeneDx Variant Classification Process June 2021. Collection method: clinical testing. Allele origin: germline. Affected: yes.
Comment: Not observed at a significant frequency in large population cohorts (Lek et al., 2016); In silico analysis supports that this missense variant has a deleterious effect on protein structure/function; Has not been previously published as pathogenic or benign in association with NOTCH1-related disorders to our knowledge; This variant is associated with the following publications: (PMID: 25637035)

CHEO Genetics Diagnostic Laboratory, Children's Hospital of Eastern Ontario
Classification: Uncertain significance for Familial thoracic aortic aneurysm and aortic dissection. Last evaluated: 2020-11-13. Review status: criteria provided, single submitter. Criteria: ACMG Guidelines, 2015. Collection method: clinical testing. Allele origin: germline.